The following is an entry in ClinVar:

NM_001330588.2(TPP2):c.398G>A (p.Arg133Gln)

Gene: TPP2 (tripeptidyl peptidase 2; plus strand). Cytogenetic location: 13q33.1.
Variant type: single nucleotide variant.
Coding change: c.398G>A on transcript NM_001330588.2 (MANE Select); coding-DNA position 398, G replaced by A.
Protein change: p.Arg133Gln; replaces arginine 133 with glutamine.
Molecular consequence: missense variant. On other transcripts: non-coding transcript variant (1).
Genome position (GRCh38, 1-based): chr13:102,616,403, G>A. VCF-style: chr13-102616403-G-A. GRCh37 (hg19) VCF-style: chr13-103268753-G-A.
Other names: c.398G>A, p.Arg133Gln (NM_001367947.1, NM_003291.4); short protein forms R133Q.
Identifiers: ClinVar variation 1917655 (VCV001917655.5), dbSNP rs752143872, ClinGen allele CA7037511.
Genomic context (GRCh38, chr13:102,616,403, plus strand): 5'-TTTACCTGAGTATTTGTCAGCCTAATTGTAAGGTAATTTTTCTGTCTTTGCAGAAAGAAC[G>A]GAAGGAAAAAATCTGGGACCCTGTTCACAGAGTGGCCCTTGCAGAAGCCTGTAGAAAACA-3'
Protein context (NP_001317517.1, residues 123-143): KALKERIQKE[Arg133Gln]KEKIWDPVHR

ClinVar aggregate classification (germline): Uncertain significance (1 of 4 stars; one submission).

Conditions:
Evans syndrome, immunodeficiency, and premature immunosenescence associated with tripeptidyl-peptidase II deficiency. Identifiers: MedGen CN231723. Disease mechanism: loss of function.

Allele frequency attached by ClinVar (database versions not stated): gnomAD exomes below 0.00001; ExAC 0.00001; TOPMed 0.00001; gnomAD 0.00003.
gnomAD v4.1: 9 of 1,609,362 alleles (0.00056%); highest among the groups gnomAD compares: East Asian, 0.0022%; no homozygotes.

Submission:

Labcorp Genetics (formerly Invitae), Labcorp
Classification: Uncertain significance for Evans syndrome, immunodeficiency, and premature immunosenescence associated with tripeptidyl-peptidase II deficiency. Last evaluated: 2024-07-04. Review status: criteria provided, single submitter. Criteria: Invitae Variant Classification Sherloc (09022015). Collection method: clinical testing. Allele origin: germline.
Comment: This sequence change replaces arginine, which is basic and polar, with glutamine, which is neutral and polar, at codon 133 of the TPP2 protein (p.Arg133Gln). This variant is present in population databases (rs752143872, gnomAD 0.005%). This variant has not been reported in the literature in individuals affected with TPP2-related conditions. ClinVar contains an entry for this variant (Variation ID: 1917655). An algorithm developed to predict the effect of missense changes on protein structure and function (PolyPhen-2) suggests that this variant is likely to be disruptive. In summary, the available evidence is currently insufficient to determine the role of this variant in disease. Therefore, it has been classified as a Variant of Uncertain Significance.